The following is an entry in ClinVar:

ClinVar aggregate classification (germline): Uncertain significance (1 of 4 stars; one submission).

Conditions:
Symmetrical dyschromatosis of extremities (DSH). Also called: RETICULATE ACROPIGMENTATION OF DOHI; SYMMETRIC DYSCHROMATOSIS OF THE EXTREMITIES; DYSCHROMATOSIS SYMMETRICA HEREDITARIA 1; Dyschromatosis symmetrica hereditaria. Identifiers: Orphanet 41, MedGen C0406775, MONDO:0007483, OMIM 127400.
Aicardi-Goutieres syndrome 6 (AGS6). Identifiers: Orphanet 51, MedGen C3539013, MONDO:0014007, OMIM 615010.

gnomAD v4.1: 6 of 1,612,290 alleles (0.00037%); highest among the groups gnomAD compares: South Asian, 0.0022%; no homozygotes.

Submission:

Labcorp Genetics (formerly Invitae), Labcorp
Classification: Uncertain significance for Aicardi-Goutieres syndrome 6; Symmetrical dyschromatosis of extremities. Last evaluated: 2024-01-21. Review status: criteria provided, single submitter. Criteria: Invitae Variant Classification Sherloc (09022015). Collection method: clinical testing. Allele origin: germline.
Comment: This sequence change replaces glycine, which is neutral and non-polar, with arginine, which is basic and polar, at codon 215 of the ADAR protein (p.Gly215Arg). This variant is present in population databases (rs751532191, gnomAD 0.002%). This variant has not been reported in the literature in individuals affected with ADAR-related conditions. An algorithm developed to predict the effect of missense changes on protein structure and function (PolyPhen-2) suggests that this variant is likely to be tolerated. In summary, the available evidence is currently insufficient to determine the role of this variant in disease. Therefore, it has been classified as a Variant of Uncertain Significance.

NM_001111.5(ADAR):c.643G>C (p.Gly215Arg)

Gene: ADAR (adenosine deaminase RNA specific; minus strand). Cytogenetic location: 1q21.3.
Variant type: single nucleotide variant.
Coding change: c.643G>C on transcript NM_001111.5 (MANE Select); coding-DNA position 643, G replaced by C.
Protein change: p.Gly215Arg; replaces glycine 215 with arginine.
Molecular consequence: missense variant. On other transcripts: 5 prime UTR variant (6).
Genome position (GRCh38, 1-based): chr1:154,601,999, C>G on the plus strand (G>C on the coding strand, the complement: ADAR is on the minus strand). VCF-style: chr1-154601999-C-G. GRCh37 (hg19) VCF-style: chr1-154574475-C-G.
Other names: c.-243G>C (NM_001025107.3, NM_001193495.2, NM_001365046.1 and 3 more transcripts); c.670G>C, p.Gly224Arg (NM_001365045.1); c.643G>C, p.Gly215Arg (NM_015840.4, NM_015841.4); short protein forms G224R, G215R.
Identifiers: ClinVar variation 2938163 (VCV002938163.3), dbSNP rs751532191, ClinGen allele CA1131664.
Genomic context (GRCh38, chr1:154,601,999, plus strand): 5'-TGGAGTTTCTGTCTTCCGGTTCCAAACTCGGGTCTGAGTTTGGGGCTCCTTGGCTATGAC[C>G]GTCTGGTCTTACCACTCCGCTGTGCTGGTTCCAAGCCTGAGTGGAGACCGCGATTTTCCA-3'
Protein context (NP_001102.3, residues 205-225): NQHSGVVRPD[Gly215Arg]HSQGAPNSDP